The following is an entry in ClinVar:

NM_001385125.1(OPN1SW):c.679-1G>C

Gene: OPN1SW (opsin 1, short wave sensitive; minus strand). Cytogenetic location: 7q32.1.
Variant type: single nucleotide variant.
Coding change: c.679-1G>C on transcript NM_001385125.1 (MANE Select); the canonical splice acceptor site of the intron before coding-DNA position 679, G replaced by C.
Molecular consequence: splice acceptor variant.
Genome position (GRCh38, 1-based): chr7:128,773,889, C>G on the plus strand (G>C on the coding strand, the complement: OPN1SW is on the minus strand). VCF-style: chr7-128773889-C-G. GRCh37 (hg19) VCF-style: chr7-128413943-C-G.
Identifiers: ClinVar variation 1999848 (VCV001999848.4), dbSNP rs2536289919, ClinGen allele CA369218205.
Genomic context (GRCh38, chr7:128,773,889, plus strand): 5'-GCGGCTCACCTCCCGTTCAGCCTTCTGGGTCGTAGCTGACTCCTGCTGCTGAGCTGCAAC[C>G]TGGGGTGGAGCACGGAAAGCATCACATCTCTCTTTTTCCTGGCCCTCTGGATGCTTTTTT-3'

ClinVar aggregate classification (germline): Uncertain significance (1 of 4 stars; one submission).

Submission:

Labcorp Genetics (formerly Invitae), Labcorp
Classification: Uncertain significance. Last evaluated: 2022-10-13. Review status: criteria provided, single submitter. Criteria: Invitae Variant Classification Sherloc (09022015). Collection method: clinical testing. Allele origin: germline.
Comment: In summary, the available evidence is currently insufficient to determine the role of this variant in disease. Therefore, it has been classified as a Variant of Uncertain Significance. Algorithms developed to predict the effect of sequence changes on RNA splicing suggest that this variant may disrupt the consensus splice site. This variant has not been reported in the literature in individuals affected with OPN1SW-related conditions. This variant is not present in population databases (gnomAD no frequency). This sequence change affects an acceptor splice site in intron 3 of the OPN1SW gene. It is expected to disrupt RNA splicing. Variants that disrupt the donor or acceptor splice site typically lead to a loss of protein function (PMID: 16199547), however the current clinical and genetic evidence is not sufficient to establish whether loss-of-function variants in OPN1SW cause disease.

Literature cited by the submitters: PubMed 16199547.